The following is an entry in ClinVar:

ClinVar aggregate classification (germline): Pathogenic (1 of 4 stars; one submission).

Conditions:
Hermansky-Pudlak syndrome 3 (HPS3). Identifiers: Orphanet 231512, Orphanet 79430, MedGen C3888001, MONDO:0013555, OMIM 614072.

Submission:

Myriad Genetics, Inc.
Classification: Pathogenic for Hermansky-Pudlak syndrome 3. Last evaluated: 2024-05-14. Review status: criteria provided, single submitter. Criteria: Myriad Autosomal Dominant, Autosomal Recessive and X-Linked Classification Criteria (2023). Collection method: clinical testing. Allele origin: unknown.
Comment: NM_032383.3(HPS3):c.571_577del7ins21(V191Pfs*19) is expected to be pathogenic in the context of Hermansky-Pudlak syndrome, HPS3-related. This variant is predicted to lead to an abnormal or absent protein product due to the creation of a premature termination codon in HPS3, a gene where loss-of-function variants are known to be pathogenic. Please note: this variant was assessed in the context of healthy population screening.

NM_032383.5(HPS3):c.571_577delinsCCCCAGAGTGTGATGTTCCCC (p.Val191fs)

Gene: HPS3 (HPS3 biogenesis of lysosomal organelles complex 2 subunit 1; plus strand). Cytogenetic location: 3q24.
Variant type: Indel.
Coding change: c.571_577delinsCCCCAGAGTGTGATGTTCCCC on transcript NM_032383.5 (MANE Select); coding-DNA positions 571 to 577, GTTTCTT replaced by CCCCAGAGTGTGATGTTCCCC.
Protein change: p.Val191fs; shifts the reading frame from valine 191.
Molecular consequence: frameshift variant. On other transcripts: intron variant (1).
Genome position (GRCh38, 1-based): chr3:149,140,357-149,140,363, GTTTCTT replaced by CCCCAGAGTGTGATGTTCCCC. VCF-style: chr3-149140357-GTTTCTT-CCCCAGAGTGTGATGTTCCCC. GRCh37 (hg19) VCF-style: chr3-148858144-GTTTCTT-CCCCAGAGTGTGATGTTCCCC.
Other names: c.218-660_218-654delinsCCCCAGAGTGTGATGTTCCCC (NM_001308258.2); short protein forms V191fs.
Identifiers: ClinVar variation 5010807 (VCV005010807.1).